The following is an entry in ClinVar:

ClinVar aggregate classification (germline): Uncertain significance. Review status: criteria provided, multiple submitters, no conflicts (2 of 4 stars). 2 submissions from 2 submitters: Uncertain significance (2). Last evaluated 2024-05-20.

Conditions:
Inborn genetic diseases. Identifiers: MedGen C0950123, MeSH D030342.

gnomAD v4.1: 7 of 980,280 alleles (0.00071%); highest among the groups gnomAD compares: South Asian, 0.018%; no homozygotes.

Submissions (2):

Ambry Genetics
Classification: Uncertain significance for Inborn genetic diseases. Last evaluated: 2024-05-20. Review status: criteria provided, single submitter. Criteria: Ambry Variant Classification Scheme 2023. Collection method: clinical testing. Allele origin: germline.

Labcorp Genetics (formerly Invitae), Labcorp
Classification: Uncertain significance. Last evaluated: 2023-03-13. Review status: criteria provided, single submitter. Criteria: Invitae Variant Classification Sherloc (09022015). Collection method: clinical testing. Allele origin: germline.
Comment: This variant has not been reported in the literature in individuals affected with MNX1-related conditions. The frequency data for this variant in the population databases is considered unreliable, as metrics indicate insufficient coverage at this position in the gnomAD database. This sequence change replaces alanine, which is neutral and non-polar, with aspartic acid, which is acidic and polar, at codon 124 of the MNX1 protein (p.Ala124Asp). In summary, the available evidence is currently insufficient to determine the role of this variant in disease. Therefore, it has been classified as a Variant of Uncertain Significance. Advanced modeling of protein sequence and biophysical properties (such as structural, functional, and spatial information, amino acid conservation, physicochemical variation, residue mobility, and thermodynamic stability) performed at Invitae indicates that this missense variant is not expected to disrupt MNX1 protein function.

NM_005515.4(MNX1):c.371C>A (p.Ala124Asp)

Gene: MNX1 (motor neuron and pancreas homeobox 1; minus strand). Cytogenetic location: 7q36.3.
Variant type: single nucleotide variant.
Coding change: c.371C>A on transcript NM_005515.4 (MANE Select); coding-DNA position 371, C replaced by A.
Protein change: p.Ala124Asp; replaces alanine 124 with aspartic acid.
Molecular consequence: missense variant.
Genome position (GRCh38, 1-based): chr7:157,009,980, G>T on the plus strand (C>A on the coding strand, the complement: MNX1 is on the minus strand). VCF-style: chr7-157009980-G-T. GRCh37 (hg19) VCF-style: chr7-156802674-G-T.
Other names: c.371C>A (NM_005515.3); short protein forms A124D.
Identifiers: ClinVar variation 2957963 (VCV002957963.4), dbSNP rs1244822620, ClinGen allele CA370164690.